The following is an entry in ClinVar:

ClinVar aggregate classification (germline): Conflicting classifications of pathogenicity. Review status: criteria provided, conflicting classifications (1 of 4 stars). 8 submissions from 7 submitters: Uncertain significance (4); Likely benign (3). 1 of the submissions does not count toward it. Last evaluated 2026-01-28.

Conditions:
PTPRC-related disorder. Also called: PTPRC-related condition.
Immunodeficiency 105 (IMD105). Also called: Immunodeficiency 105, severe combined. Identifiers: MedGen C5677005, MONDO:0800104, OMIM 619924.
Immunodeficiency 104. Also called: Severe combined immunodeficiency, autosomal recessive, T cell-negative, B cell-positive, NK cell-positive; Severe Combined Immune Deficiency, Autosomal Recessive, TCell -Negative, B Cell-Positive, NK Cell-Positive, IL7R-Related; IMMUNODEFICIENCY 104, SEVERE COMBINED; SCID, AUTOSOMAL RECESSIVE, T CELL-NEGATIVE, B CELL-POSITIVE, NK CELL-POSITIVE. Identifiers: MedGen C5676890, MONDO:0012163, OMIM 608971.
Inborn genetic diseases. Identifiers: MedGen C0950123, MeSH D030342.

Allele frequency attached by ClinVar (database versions not stated): gnomAD exomes 0.00059; ExAC 0.00080; gnomAD 0.00226 and 0.00241; TOPMed 0.00262; 1000 Genomes Project 0.00300; ESP Exome Variant Server 0.00308; 1000 Genomes Project 30x 0.00359.
gnomAD v4.1: 736 of 1,614,138 alleles (0.046%); highest among the groups gnomAD compares: African/African-American, 0.9%; 2 homozygotes.

Submissions (8):

Labcorp Genetics (formerly Invitae), Labcorp
Classification: Likely benign for Immunodeficiency 104. Last evaluated: 2026-01-28. Review status: criteria provided, single submitter. Criteria: Invitae Variant Classification Sherloc (09022015). Collection method: clinical testing. Allele origin: germline.

Ambry Genetics
Classification: Uncertain significance for Inborn genetic diseases. Last evaluated: 2025-08-23. Review status: criteria provided, single submitter. Criteria: Ambry Variant Classification Scheme 2023. Collection method: clinical testing. Allele origin: germline.

Blueprint Genetics
Classification: Likely benign. Last evaluated: 2024-11-11. Review status: criteria provided, single submitter. Criteria: ACMG Guidelines, 2015. Collection method: clinical testing. Allele origin: germline.

Center for Genomics, Ann and Robert H. Lurie Children's Hospital of Chicago
Classification: Uncertain significance for Immunodeficiency 105. Last evaluated: 2021-03-30. Review status: criteria provided, single submitter. Criteria: ACMG Guidelines, 2015. Collection method: clinical testing. Allele origin: germline.
Comment: PTPRC: NM_002838 exon 14 p.Glu523Val (c.1568A>T): This variant has not been reported in the literature but is present in 0.8% (193/24032) of African alleles in the Genome Aggregation Database. Evolutionary conservation and computational predictive tools suggest that this variant may not impact the protein. In summary, data on this variant is insufficient for disease classification. Therefore, the clinical significance of this variant is uncertain.

Center for Genomics, Ann and Robert H. Lurie Children's Hospital of Chicago
Classification: Uncertain significance for Immunodeficiency 104. Last evaluated: 2018-12-03. Review status: criteria provided, single submitter. Criteria: ACMG Guidelines, 2015. Collection method: clinical testing. Allele origin: germline.
Comment: PTPRC NM_002838.4 exon 14 p.Glu523Val (c.1568A>T): This variant has not been reported in the literature and is present in 0.8% (203/24962) of African alleles in the Genome Aggregation Database. This variant is present in ClinVar (Variation ID:506974). Evolutionary conservation and computational predictive tools suggest that this variant may not impact the protein. In summary, data on this variant is insufficient for disease classification. Therefore, the clinical significance of this variant is uncertain.

GeneDx
Classification: Likely benign. Last evaluated: 2018-08-31. Review status: criteria provided, single submitter. Criteria: GeneDx Variant Classification Process June 2021. Collection method: clinical testing. Allele origin: germline. Affected: yes.

ARUP Laboratories, Molecular Genetics and Genomics, ARUP Laboratories
Classification: Uncertain significance. Last evaluated: 2017-08-15. Review status: criteria provided, single submitter. Criteria: ARUP Molecular Germline Variant Investigation Process. Collection method: clinical testing. Allele origin: germline.
Comment: The p.Glu523Val variant (rs116464756) has not been reported in the medical literature, gene specific variation databases, nor has it been previously identified by our laboratory. This variant is listed in the genome Aggregation Database (gnomAD) with an African population frequency of 0.8 percent (identified on 193 out of 24,032 chromosomes).The glutamic acid at position 523 is weakly conserved (Alamut v.2.9.0) but computational analyses of the effects of the p.Glu523Val variant on protein structure and function provide conflicting results (SIFT: damaging, MutationTaster: polymorphism, PolyPhen-2: benign). Altogether, there is not enough evidence to classify the p.Glu523Val variant with certainty.

PreventionGenetics, part of Exact Sciences
Classification: Benign for PTPRC-related condition. Last evaluated: 2024-06-25. Review status: no assertion criteria provided. Collection method: clinical testing. Allele origin: germline. Not counted in ClinVar's aggregate classification.
Comment: This variant is classified as benign based on ACMG/AMP sequence variant interpretation guidelines (Richards et al. 2015 PMID: 25741868, with internal and published modifications).

NM_002838.5(PTPRC):c.1568A>T (p.Glu523Val)

Gene: PTPRC (protein tyrosine phosphatase receptor type C; plus strand). Cytogenetic location: 1q32.1.
Variant type: single nucleotide variant.
Coding change: c.1568A>T on transcript NM_002838.5 (MANE Select); coding-DNA position 1568, A replaced by T.
Protein change: p.Glu523Val; replaces glutamic acid 523 with valine.
Molecular consequence: missense variant.
Genome position (GRCh38, 1-based): chr1:198,718,211, A>T. VCF-style: chr1-198718211-A-T. GRCh37 (hg19) VCF-style: chr1-198687340-A-T.
Other names: c.1085A>T, p.Glu362Val (NM_080921.4); short protein forms E523V, E362V.
Identifiers: ClinVar variation 506974 (VCV000506974.32), dbSNP rs116464756, ClinGen allele CA1314828.
Genomic context (GRCh38, chr1:198,718,211, plus strand): 5'-TCAAGTGTAGGCCTCCCAGGGACCGTAATGGCCCCCATGAACGTTACCATTTGGAAGTTG[A>T]AGCTGGAAATACTCTGGTTAGAAATGAGTCGCATAAGAATTGCGATTTCCGTGTAAAAGA-3'
Protein context (NP_002829.3, residues 513-533): GPHERYHLEV[Glu523Val]AGNTLVRNES